The following is an entry in ClinVar:

NM_003399.6(XPNPEP2):c.399G>A (p.Lys133=)

Gene: XPNPEP2 (X-prolyl aminopeptidase 2; plus strand). Cytogenetic location: Xq26.1.
Variant type: single nucleotide variant.
Coding change: c.399G>A on transcript NM_003399.6 (MANE Select); coding-DNA position 399, G replaced by A.
Protein change: p.Lys133=; no amino-acid change (lysine 133 retained).
Molecular consequence: synonymous variant.
Genome position (GRCh38, 1-based): chrX:129,746,336, G>A. VCF-style: chrX-129746336-G-A. GRCh37 (hg19) VCF-style: chrX-128880312-G-A.
Identifiers: ClinVar variation 91949 (VCV000091949.2), dbSNP rs386352381, ClinGen allele CA232223.

ClinVar aggregate classification (germline): Uncertain significance (0 of 4 stars; one submission).

Submission:

Richard Lifton Laboratory, Yale University School of Medicine
Classification: Uncertain significance. Review status: no assertion criteria provided. Collection method: not provided. Allele origin: somatic.
Comment: XPNPEP2
ClinVar note: Converted during submission from unknown to Uncertain significance.